The following is an entry in ClinVar:

ClinVar aggregate classification (germline): Benign/Likely benign. Review status: criteria provided, multiple submitters, no conflicts (2 of 4 stars). 2 submissions from 2 submitters: Benign (1); Likely benign (1). Last evaluated 2024-05-01.

Conditions:
Familial cancer of breast. Also called: BREAST CANCER, FAMILIAL; Hereditary breast cancer; hereditary breast carcinoma. Identifiers: Orphanet 227535, MedGen C0346153, MONDO:0016419, OMIM 114480. Disease mechanism: loss of function.
Ataxia-telangiectasia syndrome (AT). Also called: Cerebello-oculocutaneous telangiectasia; Immunodeficiency with ataxia telangiectasia; Ataxia-telangiectasia, complementation group E; Ataxia-telangiectasia, complementation group D; LOUIS-BAR SYNDROME; AT, COMPLEMENTATION GROUP C. Identifiers: Orphanet 100, MedGen C0004135, MONDO:0008840, OMIM 208900.

Allele frequency attached by ClinVar (database versions not stated): gnomAD exomes below 0.00001; ExAC 0.00001.
gnomAD v4.1: 1 of 1,613,814 alleles (0.000062%); highest among the groups gnomAD compares: Non-Finnish European, 0.000085%; no homozygotes.

Submissions (2):

Myriad Genetics, Inc.
Classification: Benign for Familial cancer of breast. Last evaluated: 2024-05-01. Review status: criteria provided, single submitter. Criteria: Myriad Autosomal Dominant, Autosomal Recessive and X-Linked Classification Criteria (2023). Collection method: clinical testing. Allele origin: unknown.
Comment: This variant is considered benign. This variant is a silent/synonymous amino acid change and it is not expected to impact splicing.

Labcorp Genetics (formerly Invitae), Labcorp
Classification: Likely benign for Ataxia-telangiectasia syndrome. Last evaluated: 2023-11-04. Review status: criteria provided, single submitter. Criteria: Invitae Variant Classification Sherloc (09022015). Collection method: clinical testing. Allele origin: germline.

NM_000051.4(ATM):c.1743A>G (p.Leu581=)

Gene: ATM (ATM serine/threonine kinase; plus strand). Cytogenetic location: 11q22.3.
Variant type: single nucleotide variant.
Coding change: c.1743A>G on transcript NM_000051.4 (MANE Select); coding-DNA position 1743, A replaced by G.
Protein change: p.Leu581=; no amino-acid change (leucine 581 retained).
Molecular consequence: synonymous variant.
Genome position (GRCh38, 1-based): chr11:108,251,972, A>G. VCF-style: chr11-108251972-A-G. GRCh37 (hg19) VCF-style: chr11-108122699-A-G.
Other names: c.1743A>G, p.Leu581= (NM_001351834.2).
Identifiers: ClinVar variation 2847143 (VCV002847143.4), dbSNP rs745678414, ClinGen allele CA6264862.
Genomic context (GRCh38, chr11:108,251,972, plus strand): 5'-AAATATGTGTGAAGTAAATAGAAGCTTTTCTTTAAAGGAATCAATAATGAAATGGCTCTT[A>G]TTCTATCAGTTAGAGGGTGACTTAGAAAATAGCACAGAAGTGCCTCCAATTCTTCACAGG-3'
Protein context (NP_000042.3, residues 571-591): SLKESIMKWL[Leu581=]FYQLEGDLEN